The following is an entry in ClinVar:

NM_001035.3(RYR2):c.6431G>A (p.Arg2144His)

Gene: RYR2 (ryanodine receptor 2; plus strand). Cytogenetic location: 1q43.
Variant type: single nucleotide variant.
Coding change: c.6431G>A on transcript NM_001035.3 (MANE Select); coding-DNA position 6431, G replaced by A.
Protein change: p.Arg2144His; replaces arginine 2144 with histidine.
Molecular consequence: missense variant.
Genome position (GRCh38, 1-based): chr1:237,628,071, G>A. VCF-style: chr1-237628071-G-A. GRCh37 (hg19) VCF-style: chr1-237791371-G-A.
Other names: c.6431G>A, p.Arg2144His (LRG_402t1); short protein forms R2144H.
Identifiers: ClinVar variation 496096 (VCV000496096.15), dbSNP rs1243083109, ClinGen allele CA345411537.

ClinVar aggregate classification (germline): Uncertain significance. Review status: criteria provided, multiple submitters, no conflicts (2 of 4 stars). 7 submissions from 7 submitters: Uncertain significance (7). Last evaluated 2025-12-08.

Conditions:
Cardiomyopathy (CMYO). Also called: Cardiomyopathies. Identifiers: Orphanet 167848, MedGen C0878544, MONDO:0004994, HP:0001638. Inheritance: Various modes of inheritance.
Cardiovascular phenotype. Identifiers: MedGen CN230736.
Catecholaminergic polymorphic ventricular tachycardia 1. Also called: VENTRICULAR TACHYCARDIA, STRESS-INDUCED POLYMORPHIC 1; VENTRICULAR TACHYCARDIA, CATECHOLAMINERGIC POLYMORPHIC, 1, WITH OR WITHOUT ATRIAL DYSFUNCTION AND/OR DILATED CARDIOMYOPATHY; RYR2-Related Catecholaminergic Polymorphic Ventricular Tachycardia. Identifiers: Orphanet 3286, MedGen C1631597, MONDO:0011484, OMIM 604772.
Catecholaminergic polymorphic ventricular tachycardia (CVPT). Also called: Catecholamine-induced polymorphic ventricular tachycardia. Identifiers: Orphanet 3286, MedGen C5574922, MONDO:0017990.

Allele frequency attached by ClinVar (database versions not stated): gnomAD 0.00001 and 0.00002; gnomAD exomes 0.00001 and 0.00003; TOPMed 0.00002.
gnomAD v4.1: 46 of 1,613,314 alleles (0.0029%); highest among the groups gnomAD compares: South Asian, 0.0044%; no homozygotes.

Submissions (7):

Labcorp Genetics (formerly Invitae), Labcorp
Classification: Uncertain significance for Catecholaminergic polymorphic ventricular tachycardia 1. Last evaluated: 2025-12-08. Review status: criteria provided, single submitter. Criteria: Invitae Variant Classification Sherloc (09022015). Collection method: clinical testing. Allele origin: germline.
Comment: This sequence change replaces arginine, which is basic and polar, with histidine, which is basic and polar, at codon 2144 of the RYR2 protein (p.Arg2144His). This variant is present in population databases (no rsID available, gnomAD 0.003%). This variant has not been reported in the literature in individuals affected with RYR2-related conditions. ClinVar contains an entry for this variant (Variation ID: 496096). Invitae Evidence Modeling of protein sequence and biophysical properties (such as structural, functional, and spatial information, amino acid conservation, physicochemical variation, residue mobility, and thermodynamic stability) indicates that this missense variant is not expected to disrupt RYR2 protein function with a negative predictive value of 95%. In summary, the available evidence is currently insufficient to determine the role of this variant in disease. Therefore, it has been classified as a Variant of Uncertain Significance.

GeneDx
Classification: Uncertain significance. Last evaluated: 2024-05-01. Review status: criteria provided, single submitter. Criteria: GeneDx Variant Classification Process June 2021. Collection method: clinical testing. Allele origin: germline. Affected: yes.
Comment: Has not been previously published as pathogenic or benign to our knowledge; Not observed at significant frequency in large population cohorts (gnomAD); In silico analysis indicates that this missense variant does not alter protein structure/function; Not located in one of the three hot-spot regions of the RYR2 gene, where the majority of pathogenic missense variants occur (PMID: 19926015); This variant is associated with the following publications: (PMID: 19926015)

Color Diagnostics, LLC DBA Color Health
Classification: Uncertain significance for Cardiomyopathy. Last evaluated: 2024-03-06. Review status: criteria provided, single submitter. Criteria: ACMG Guidelines, 2015. Collection method: clinical testing. Allele origin: germline.
Comment: This missense variant replaces arginine with histidine at codon 2144 of the RYR2 protein. Computational prediction suggests that this variant may have deleterious impact on protein structure and function (internally defined REVEL score threshold >= 0.7, PMID: 27666373). To our knowledge, functional studies have not been reported for this variant. This variant has not been reported in individuals affected with cardiovascular disorders in the literature. This variant has been identified in 3/277836 chromosomes in the general population by the Genome Aggregation Database (gnomAD). The available evidence is insufficient to determine the role of this variant in disease conclusively. Therefore, this variant is classified as a Variant of Uncertain Significance.

All of Us Research Program, National Institutes of Health
Classification: Uncertain significance for Catecholaminergic polymorphic ventricular tachycardia. Last evaluated: 2023-12-13. Review status: criteria provided, single submitter. Criteria: ACMG Guidelines, 2015. Collection method: clinical testing. Allele origin: germline. Inheritance: Autosomal dominant inheritance. Observed: 3 variant alleles, 3 heterozygotes.
Comment: This missense variant replaces arginine with histidine at codon 2144 of the RYR2 protein. Computational prediction suggests that this variant may have deleterious impact on protein structure and function (internally defined REVEL score threshold >= 0.7, PMID: 27666373). To our knowledge, functional studies have not been reported for this variant. This variant has not been reported in individuals affected with cardiovascular disorders in the literature. This variant has been identified in 3/277836 chromosomes in the general population by the Genome Aggregation Database (gnomAD). The available evidence is insufficient to determine the role of this variant in disease conclusively. Therefore, this variant is classified as a Variant of Uncertain Significance.

This study involves interpretation of variants in research participants for the purpose of population health screening. Participant phenotype was not available at the time of variant classification. Additional details can be found in publication PMID: 35346344, PMCID: PMC8962531

Blueprint Genetics
Classification: Uncertain significance. Last evaluated: 2023-07-21. Review status: criteria provided, single submitter. Criteria: ACMG Guidelines, 2015. Collection method: clinical testing. Allele origin: germline.

Ambry Genetics
Classification: Uncertain significance for Cardiovascular phenotype. Last evaluated: 2023-05-04. Review status: criteria provided, single submitter. Criteria: Ambry Variant Classification Scheme 2023. Collection method: clinical testing. Allele origin: germline.
Comment: The p.R2144H variant (also known as c.6431G>A), located in coding exon 41 of the RYR2 gene, results from a G to A substitution at nucleotide position 6431. The arginine at codon 2144 is replaced by histidine, an amino acid with highly similar properties. This amino acid position is well conserved in available vertebrate species. In addition, this alteration is predicted to be deleterious by in silico analysis. Since supporting evidence is limited at this time, the clinical significance of this alteration remains unclear.

Women's Health and Genetics/Laboratory Corporation of America, LabCorp
Classification: Uncertain significance. Last evaluated: 2017-05-08. Review status: criteria provided, single submitter. Criteria: LabCorp Variant Classification Summary - May 2015. Collection method: clinical testing. Allele origin: germline.
Comment: Variant summary: The RYR2 c.6431G>A (p.Arg2144His) variant located in the RIH domain (via InterPro) involves the alteration of a conserved nucleotide and 3/4 in silico tools (SNPsandGO not captured due to low reliability index) predict a damaging outcome. However, these predictions have yet to be functionally assessed. This variant is absent in 119284 control chromosomes (ExAC). The variant of interest has not, to our knowledge, been reported in affected individuals via publications and/or reputable databases/clinical diagnostic laboratories; nor evaluated for functional impact by in vivo/vitro studies. Because of the absence of clinical information and the lack of functional studies, the variant is classified as a "Variant of Uncertain Significance (VUS)," until additional information becomes available.